The following is an entry in ClinVar:

NM_001430.5(EPAS1):c.1684C>T (p.His562Tyr)

Gene: EPAS1 (endothelial PAS domain protein 1; plus strand). Cytogenetic location: 2p21.
Variant type: single nucleotide variant.
Coding change: c.1684C>T on transcript NM_001430.5 (MANE Select); coding-DNA position 1684, C replaced by T.
Protein change: p.His562Tyr; replaces histidine 562 with tyrosine.
Molecular consequence: missense variant.
Genome position (GRCh38, 1-based): chr2:46,380,356, C>T. VCF-style: chr2-46380356-C-T. GRCh37 (hg19) VCF-style: chr2-46607495-C-T.
Other names: short protein forms H562Y.
Identifiers: ClinVar variation 2565083 (VCV002565083.2), dbSNP rs2546476916, ClinGen allele CA346704659.

ClinVar aggregate classification (germline): Uncertain significance (1 of 4 stars; one submission).

Conditions:
Inborn genetic diseases. Identifiers: MedGen C0950123, MeSH D030342.

Submission:

Ambry Genetics
Classification: Uncertain significance for Inborn genetic diseases. Last evaluated: 2023-06-12. Review status: criteria provided, single submitter. Criteria: Ambry Variant Classification Scheme 2023. Collection method: clinical testing. Allele origin: germline.
Comment: The p.H562Y variant (also known as c.1684C>T), located in coding exon 12 of the EPAS1 gene, results from a C to T substitution at nucleotide position 1684. The histidine at codon 562 is replaced by tyrosine, an amino acid with similar properties. This amino acid position is conserved. In addition, this alteration is predicted to be tolerated by in silico analysis. Since supporting evidence is limited at this time, the clinical significance of this alteration remains unclear.